The following is an entry in ClinVar:

NM_001540.5(HSPB1):c.510del (p.Lys171fs)

Gene: HSPB1 (heat shock protein family B (small) member 1; plus strand). Cytogenetic location: 7q11.23.
Variant type: Deletion.
Coding change: c.510del on transcript NM_001540.5 (MANE Select); coding-DNA position 510, one base deleted (C; older notation c.510delC).
Protein change: p.Lys171fs; shifts the reading frame from lysine 171.
Molecular consequence: frameshift variant.
Genome position (GRCh38, 1-based): chr7:76,304,065, C deleted; the last of 3 consecutive C bases (chr7:76,304,063-76,304,065); deleting any one gives the same sequence. VCF-style (leftmost placement, unchanged base first): chr7-76304062-GC-G. GRCh37 (hg19) VCF-style: chr7-75933379-GC-G.
Other names: short protein forms K171fs.
Identifiers: ClinVar variation 954704 (VCV000954704.10), dbSNP rs1803069940, ClinGen allele CA1139660099.

ClinVar aggregate classification (germline): Pathogenic/Likely pathogenic. Review status: criteria provided, multiple submitters, no conflicts (2 of 4 stars). 3 submissions from 2 submitters: Pathogenic (1); Likely pathogenic (2). Last evaluated 2025-03-17.

Conditions:
Charcot-Marie-Tooth disease axonal type 2F (CMT2F). Also called: Charcot-Marie-Tooth Neuropathy Type 2F; CHARCOT-MARIE-TOOTH DISEASE, NEURONAL, TYPE 2F. Identifiers: Orphanet 99940, MedGen C1847823, MONDO:0011687, OMIM 606595.
Neuronopathy, distal hereditary motor, type 2B. Also called: HMN IIB; NEURONOPATHY, DISTAL HEREDITARY MOTOR, AUTOSOMAL DOMINANT 3; NEURONOPATHY, DISTAL HEREDITARY MOTOR, HARDING TYPE IIB; NEUROPATHY, DISTAL HEREDITARY MOTOR, HARDING TYPE IIB. Identifiers: Orphanet 139525, MedGen C2608087, MONDO:0012080, OMIM 608634.

Submissions (3):

Institute of Human Genetics, University of Leipzig Medical Center
Classification: Likely pathogenic for Charcot-Marie-Tooth disease axonal type 2F. Last evaluated: 2025-03-17. Review status: criteria provided, single submitter. Criteria: ACMG Guidelines, 2015. Collection method: clinical testing. Allele origin: unknown. Inheritance: Autosomal dominant inheritance. Affected: yes.
Comment: Criteria applied: PVS1_STR,PS4_MOD,PM2

Labcorp Genetics (formerly Invitae), Labcorp
Classification: Pathogenic for Charcot-Marie-Tooth disease axonal type 2F. Last evaluated: 2023-04-06. Review status: criteria provided, single submitter. Criteria: Invitae Variant Classification Sherloc (09022015). Collection method: clinical testing. Allele origin: germline.
Comment: This sequence change creates a premature translational stop signal (p.Lys171Serfs*2) in the HSPB1 gene. While this is not anticipated to result in nonsense mediated decay, it is expected to disrupt the last 35 amino acid(s) of the HSPB1 protein. This variant is not present in population databases (gnomAD no frequency). This variant has not been reported in the literature in individuals affected with HSPB1-related conditions. ClinVar contains an entry for this variant (Variation ID: 954704). This variant disrupts the region of the HSPB1 protein between p.Pro39 and p.Gln175. Other variants in this region have been observed in individuals with autosomal dominant HSPB1-related conditions (PMID: 22734906, 28144995, 29381233), which suggests that this may be a clinically significant region of the protein. For these reasons, this variant has been classified as Pathogenic.

Institute of Human Genetics, University of Leipzig Medical Center
Classification: Likely pathogenic for Neuronopathy, distal hereditary motor, type 2B. Last evaluated: 2018-07-30. Review status: criteria provided, single submitter. Criteria: ACMG Guidelines, 2015. Collection method: clinical testing. Allele origin: germline. Affected: yes. Observed: 1 variant allele.

Literature cited by the submitters: PubMed 22734906 (cited by Labcorp Genetics (formerly Invitae), Labcorp); PubMed 28144995 (cited by Labcorp Genetics (formerly Invitae), Labcorp); PubMed 29381233 (cited by Labcorp Genetics (formerly Invitae), Labcorp).